The following is an entry in ClinVar:

ClinVar aggregate classification (germline): Benign (1 of 4 stars; one submission).

Conditions:
Familial adenomatous polyposis 1 (FAP1). Also called: POLYPOSIS, ADENOMATOUS INTESTINAL; FAMILIAL ADENOMATOUS POLYPOSIS 1, ATTENUATED. Identifiers: MedGen C2713442, MONDO:0021056, OMIM 175100. Disease mechanism: loss of function.

Submission:

Myriad Genetics, Inc.
Classification: Benign for Familial adenomatous polyposis 1. Last evaluated: 2024-03-11. Review status: criteria provided, single submitter. Criteria: Myriad Autosomal Dominant, Autosomal Recessive and X-Linked Classification Criteria (2023). Collection method: clinical testing. Allele origin: unknown.
Comment: This variant is considered benign. This variant is a silent/synonymous amino acid change and it is not expected to impact splicing.

NM_000038.6(APC):c.2250A>C (p.Pro750=)

Gene: APC (APC regulator of Wnt signaling pathway; plus strand). Cytogenetic location: 5q22.2.
Variant type: single nucleotide variant.
Coding change: c.2250A>C on transcript NM_000038.6 (MANE Select); coding-DNA position 2250, A replaced by C.
Protein change: p.Pro750=; no amino-acid change (proline 750 retained).
Molecular consequence: synonymous variant. On other transcripts: non-coding transcript variant (2).
Genome position (GRCh38, 1-based): chr5:112,837,844, A>C. VCF-style: chr5-112837844-A-C. GRCh37 (hg19) VCF-style: chr5-112173541-A-C.
Other names: c.2229A>C, p.Pro743= (NM_001407451.1); c.2220A>C, p.Pro740= (NM_001407452.1); c.2073A>C, p.Pro691= (NM_001407453.1, NM_001354901.2); c.2001A>C, p.Pro667= (NM_001407454.1, NM_001407455.1, NM_001407456.1 and 1 more transcripts); c.1947A>C, p.Pro649= (NM_001407458.1, NM_001407459.1, NM_001407460.1 and 1 more transcripts); c.1863A>C, p.Pro621= (NM_001407467.1, NM_001407469.1); c.1401A>C, p.Pro467= (NM_001407470.1, NM_001354906.2); c.1098A>C, p.Pro366= (NM_001407471.1, NM_001407472.1); and 11 more.
Identifiers: ClinVar variation 3148759 (VCV003148759.1), dbSNP rs376526724, ClinGen allele CA445963279.
Genomic context (GRCh38, chr5:112,837,844, plus strand): 5'-GGCAAATAGGCCTGCGAAGTACAAGGATGCCAATATTATGTCTCCTGGCTCAAGCTTGCC[A>C]TCTCTTCATGTTAGGAAACAAAAAGCCCTAGAAGCAGAATTAGATGCTCAGCACTTATCA-3'
Protein context (NP_000029.2, residues 740-760): ANIMSPGSSL[Pro750=]SLHVRKQKAL